The following is an entry in ClinVar:

NM_005271.5(GLUD1):c.178C>A (p.Arg60Ser)

Genes: SHLD2 (shieldin complex subunit 2; plus strand), GLUD1 (glutamate dehydrogenase 1; minus strand). Cytogenetic location: 10q23.2.
Variant type: single nucleotide variant.
Coding change: c.178C>A on transcript NM_005271.5 (MANE Select); coding-DNA position 178, C replaced by A.
Protein change: p.Arg60Ser; replaces arginine 60 with serine.
Molecular consequence: missense variant. On other transcripts: 5 prime UTR variant (3).
Genome position (GRCh38, 1-based): chr10:87,094,592, G>T on the plus strand (C>A on the coding strand, the complement: GLUD1 is on the minus strand). VCF-style: chr10-87094592-G-T. GRCh37 (hg19) VCF-style: chr10-88854349-G-T.
Other names: c.-551C>A (NM_001318904.2); c.-677C>A (NM_001318905.2); c.-384C>A (NM_001318906.2); short protein forms R60S.
Identifiers: ClinVar variation 2169324 (VCV002169324.4), dbSNP rs753567322, ClinGen allele CA5587743.
Genomic context (GRCh38, chr10:87,094,592, plus strand): 5'-TGCTGGCGCCGCGATCGAAGAAGCCCTCCACCATCTTGAAGAAGTTGGGGTCGTCCTCGC[G>T]GTCGGCCACCGCCTCGCTGTAGTGGCGCCGGGCGGCCAATGCCAGCCCCGGCTGCGGGGC-3'
Protein context (NP_005262.1, residues 50-70): RRHYSEAVAD[Arg60Ser]EDDPNFFKMV

ClinVar aggregate classification (germline): Uncertain significance (1 of 4 stars; one submission).

Conditions:
Hyperinsulinism-hyperammonemia syndrome (HHF6). Identifiers: Orphanet 35878, MedGen C1847555, MONDO:0011717, OMIM 606762.

gnomAD v4.1: 7 of 1,611,240 alleles (0.00043%); highest among the groups gnomAD compares: African/African-American, 0.004%; no homozygotes.

Submission:

Labcorp Genetics (formerly Invitae), Labcorp
Classification: Uncertain significance for Hyperinsulinism-hyperammonemia syndrome. Last evaluated: 2022-09-16. Review status: criteria provided, single submitter. Criteria: Invitae Variant Classification Sherloc (09022015). Collection method: clinical testing. Allele origin: germline.
Comment: In summary, the available evidence is currently insufficient to determine the role of this variant in disease. Therefore, it has been classified as a Variant of Uncertain Significance. Algorithms developed to predict the effect of missense changes on protein structure and function are either unavailable or do not agree on the potential impact of this missense change (SIFT: "Not Available"; PolyPhen-2: "Benign"; Align-GVGD: "Not Available"). This variant has not been reported in the literature in individuals affected with GLUD1-related conditions. The frequency data for this variant in the population databases is considered unreliable, as metrics indicate poor data quality at this position in the gnomAD database. This sequence change replaces arginine, which is basic and polar, with serine, which is neutral and polar, at codon 60 of the GLUD1 protein (p.Arg60Ser).